The following is an entry in ClinVar:

ClinVar aggregate classification (germline): Uncertain significance (1 of 4 stars; one submission).

Conditions:
Vici syndrome (VICIS). Identifiers: Orphanet 1493, MedGen C1855772, MONDO:0009452, OMIM 242840.

Allele frequency attached by ClinVar (database versions not stated): gnomAD exomes 0.00001; ExAC 0.00002.
gnomAD v4.1: 16 of 1,614,220 alleles (0.00099%); highest among the groups gnomAD compares: Admixed American, 0.005%; no homozygotes.

Submission:

Labcorp Genetics (formerly Invitae), Labcorp
Classification: Uncertain significance for Vici syndrome. Last evaluated: 2023-10-05. Review status: criteria provided, single submitter. Criteria: Invitae Variant Classification Sherloc (09022015). Collection method: clinical testing. Allele origin: germline.
Comment: This sequence change replaces arginine, which is basic and polar, with glutamine, which is neutral and polar, at codon 2293 of the EPG5 protein (p.Arg2293Gln). This variant is present in population databases (rs767427212, gnomAD 0.009%). This variant has not been reported in the literature in individuals affected with EPG5-related conditions. Advanced modeling of protein sequence and biophysical properties (such as structural, functional, and spatial information, amino acid conservation, physicochemical variation, residue mobility, and thermodynamic stability) performed at Invitae indicates that this missense variant is not expected to disrupt EPG5 protein function. In summary, the available evidence is currently insufficient to determine the role of this variant in disease. Therefore, it has been classified as a Variant of Uncertain Significance.

NM_020964.3(EPG5):c.6878G>A (p.Arg2293Gln)

Gene: EPG5 (ectopic P-granules 5 autophagy tethering factor; minus strand). Cytogenetic location: 18q12.3.
Variant type: single nucleotide variant.
Coding change: c.6878G>A on transcript NM_020964.3 (MANE Select); coding-DNA position 6878, G replaced by A.
Protein change: p.Arg2293Gln; replaces arginine 2293 with glutamine.
Molecular consequence: missense variant.
Genome position (GRCh38, 1-based): chr18:45,860,235, C>T on the plus strand (G>A on the coding strand, the complement: EPG5 is on the minus strand). VCF-style: chr18-45860235-C-T. GRCh37 (hg19) VCF-style: chr18-43440200-C-T.
Other names: c.6878G>A, p.Arg2293Gln (NM_001410858.1); c.6875G>A, p.Arg2292Gln (NM_001410859.1); short protein forms R2292Q, R2293Q.
Identifiers: ClinVar variation 3011435 (VCV003011435.1), dbSNP rs767427212, ClinGen allele CA8948123.